The following is an entry in ClinVar:

NM_000395.3(CSF2RB):c.557C>A (p.Ala186Asp)

Gene: CSF2RB (colony stimulating factor 2 receptor subunit beta; plus strand). Cytogenetic location: 22q12.3.
Variant type: single nucleotide variant.
Coding change: c.557C>A on transcript NM_000395.3 (MANE Select); coding-DNA position 557, C replaced by A.
Protein change: p.Ala186Asp; replaces alanine 186 with aspartic acid.
Molecular consequence: missense variant.
Genome position (GRCh38, 1-based): chr22:36,929,646, C>A. VCF-style: chr22-36929646-C-A. GRCh37 (hg19) VCF-style: chr22-37325688-C-A.
Other names: c.557C>A, p.Ala186Asp (NM_001410827.1); short protein forms A186D.
Identifiers: ClinVar variation 3002607 (VCV003002607.3), dbSNP rs2517990406, ClinGen allele CA411406386.
Genomic context (GRCh38, chr22:36,929,646, plus strand): 5'-AGCCCGAAGGGATGGGCAGCACCCCTCCTCCAGCACCCACTGTCTCCTGACAGGACGCAG[C>A]CATCCTCCTCTCCAACACCTCCCAGGCCACCCTGGGGCCAGAGCACCTCATGCCCAGCAG-3'
Protein context (NP_000386.1, residues 176-196): KRLQDSWEDA[Ala186Asp]ILLSNTSQAT

ClinVar aggregate classification (germline): Uncertain significance (1 of 4 stars; one submission).

Submission:

Labcorp Genetics (formerly Invitae), Labcorp
Classification: Uncertain significance. Last evaluated: 2025-06-03. Review status: criteria provided, single submitter. Criteria: Invitae Variant Classification Sherloc (09022015). Collection method: clinical testing. Allele origin: germline.
Comment: This sequence change replaces alanine, which is neutral and non-polar, with aspartic acid, which is acidic and polar, at codon 186 of the CSF2RB protein (p.Ala186Asp). This variant is not present in population databases (gnomAD no frequency). This variant has not been reported in the literature in individuals affected with CSF2RB-related conditions. ClinVar contains an entry for this variant (Variation ID: 3002607). Invitae Evidence Modeling of protein sequence and biophysical properties (such as structural, functional, and spatial information, amino acid conservation, physicochemical variation, residue mobility, and thermodynamic stability) indicates that this missense variant is not expected to disrupt CSF2RB protein function with a negative predictive value of 80%. In summary, the available evidence is currently insufficient to determine the role of this variant in disease. Therefore, it has been classified as a Variant of Uncertain Significance.